The following is an entry in ClinVar:

NM_000455.5(STK11):c.*16+20G>T

Gene: STK11 (serine/threonine kinase 11; plus strand). Cytogenetic location: 19p13.3.
Variant type: single nucleotide variant.
Coding change: c.*16+20G>T on transcript NM_000455.5 (MANE Select); 20 bases into the intron after 16 bases downstream of the stop codon, G replaced by T.
Molecular consequence: intron variant.
Genome position (GRCh38, 1-based): chr19:1,226,683, G>T. VCF-style: chr19-1226683-G-T. GRCh37 (hg19) VCF-style: chr19-1226682-G-T.
Identifiers: ClinVar variation 390602 (VCV000390602.1), dbSNP rs1044825795, ClinGen allele CA16608031.

ClinVar aggregate classification (germline): Likely benign (1 of 4 stars; one submission).

Allele frequency attached by ClinVar (database versions not stated): gnomAD 0.00003; TOPMed 0.00001.
gnomAD v4.1: 33 of 1,476,770 alleles (0.0022%); highest among the groups gnomAD compares: East Asian, 0.005%; no homozygotes.

Submission:

GeneDx
Classification: Likely benign. Last evaluated: 2016-10-27. Review status: criteria provided, single submitter. Criteria: GeneDx Variant Classification (06012015). Collection method: clinical testing. Allele origin: germline. Affected: yes.
Comment: This variant is considered likely benign or benign based on one or more of the following criteria: it is a conservative change, it occurs at a poorly conserved position in the protein, it is predicted to be benign by multiple in silico algorithms, and/or has population frequency not consistent with disease.